The following is an entry in ClinVar:

NM_032313.4(NOA1):c.1719G>A (p.Arg573=)

Gene: NOA1 (nitric oxide associated 1; minus strand). Cytogenetic location: 4q12.
Variant type: single nucleotide variant.
Coding change: c.1719G>A on transcript NM_032313.4 (MANE Select); coding-DNA position 1719, G replaced by A.
Protein change: p.Arg573=; no amino-acid change (arginine 573 retained).
Molecular consequence: synonymous variant.
Genome position (GRCh38, 1-based): chr4:56,966,665, C>T on the plus strand (G>A on the coding strand, the complement: NOA1 is on the minus strand). VCF-style: chr4-56966665-C-T. GRCh37 (hg19) VCF-style: chr4-57832831-C-T.
Identifiers: ClinVar variation 3025262 (VCV003025262.22), dbSNP rs148340781, ClinGen allele CA2932778.
Genomic context (GRCh38, chr4:56,966,665, plus strand): 5'-GGCATGTTGCCTTACCTGGAGTAACGTATGACCTGCATGCTTCTGATACAGAGCGTCTGC[C>T]CTGTCCAAGGAGGTGATATGCACAGGGAGGATGTTGGAAGCCACGACTGTAAACCAAGCT-3'
Protein context (NP_115689.1, residues 563-583): ILPVHITSLD[Arg573=]ADALYQKHAG

ClinVar aggregate classification (germline): Likely benign (1 of 4 stars; one submission).

Allele frequency attached by ClinVar (database versions not stated): gnomAD exomes 0.00003; ExAC 0.00005; gnomAD 0.00005; ESP Exome Variant Server 0.00008; TOPMed 0.00009; 1000 Genomes Project 0.00020; 1000 Genomes Project 30x 0.00031.

Submission:

CeGaT Center for Human Genetics Tuebingen
Classification: Likely benign. Last evaluated: 2023-12-01. Review status: criteria provided, single submitter. Criteria: CeGaT Center For Human Genetics Tuebingen Variant Classification Criteria Version 2. Collection method: clinical testing. Allele origin: germline. Affected: yes. Observed: 1 variant allele.
Comment: NOA1: BP4, BP7